The following is an entry in ClinVar:

NM_022748.12(TNS3):c.2282-7T>G

Gene: TNS3 (tensin 3; minus strand). Cytogenetic location: 7p12.3.
Variant type: single nucleotide variant.
Coding change: c.2282-7T>G on transcript NM_022748.12 (MANE Select); 7 bases into the intron before coding-DNA position 2282, T replaced by G.
Molecular consequence: intron variant.
Genome position (GRCh38, 1-based): chr7:47,346,363, A>C on the plus strand (T>G on the coding strand, the complement: TNS3 is on the minus strand). VCF-style: chr7-47346363-A-C. GRCh37 (hg19) VCF-style: chr7-47385961-A-C.
Other names: c.2591-7T>G (NM_001410878.1); c.2624-7T>G (NM_001410877.1).
Identifiers: ClinVar variation 3341700 (VCV003341700.16).

ClinVar aggregate classification (germline): Likely benign (1 of 4 stars; one submission).

gnomAD v4.1: 85 of 1,613,616 alleles (0.0053%); highest among the groups gnomAD compares: Non-Finnish European, 0.00051%; 1 homozygote.

Submission:

CeGaT Center for Human Genetics Tuebingen
Classification: Likely benign. Last evaluated: 2024-08-01. Review status: criteria provided, single submitter. Criteria: CeGaT Center For Human Genetics Tuebingen Variant Classification Criteria Version 2. Collection method: clinical testing. Allele origin: germline. Affected: yes. Observed: 1 variant allele.
Comment: TNS3: BP4, BS2